The following is an entry in ClinVar:

NM_000393.5(COL5A2):c.3829A>G (p.Ser1277Gly)

Gene: COL5A2 (collagen type V alpha 2 chain; minus strand). Cytogenetic location: 2q32.2.
Variant type: single nucleotide variant.
Coding change: c.3829A>G on transcript NM_000393.5 (MANE Select); coding-DNA position 3829, A replaced by G.
Protein change: p.Ser1277Gly; replaces serine 1277 with glycine.
Molecular consequence: missense variant.
Genome position (GRCh38, 1-based): chr2:189,039,368, T>C on the plus strand (A>G on the coding strand, the complement: COL5A2 is on the minus strand). VCF-style: chr2-189039368-T-C. GRCh37 (hg19) VCF-style: chr2-189904094-T-C.
Other names: short protein forms S1277G.
Identifiers: ClinVar variation 1735322 (VCV001735322.5), dbSNP rs1685510057, ClinGen allele CA349857669.
Genomic context (GRCh38, chr2:189,039,368, plus strand): 5'-CACACGTGCGGGCTGGGTGCTTTTTCGAGCCATCGGGGCTGCGCATGGTTTCAATCTGAC[T>C]ACTGAGTGACTTCAGGGTAGCATGAACCCCTGGGTCCGTTTTGTTTTTGTCATCAGGAGC-3'
Protein context (NP_000384.2, residues 1267-1287): GVHATLKSLS[Ser1277Gly]QIETMRSPDG

ClinVar aggregate classification (germline): Uncertain significance. Review status: criteria provided, multiple submitters, no conflicts (2 of 4 stars). 2 submissions from 2 submitters: Uncertain significance (2). Last evaluated 2023-04-27.

Conditions:
Familial thoracic aortic aneurysm and aortic dissection (TAAD). Also called: Thoracic aortic aneurysms and dissections. Identifiers: Orphanet 91387, MedGen C4707243, MONDO:0019625.
Ehlers-Danlos syndrome, classic type, 1 (EDSCL1). Also called: Ehlers-Danlos syndrome, type 1; Ehlers-Danlos Syndrome, Classic Type, COL5A1-Related; EDS I; EHLERS-DANLOS SYNDROME, GRAVIS TYPE; EHLERS-DANLOS SYNDROME, SEVERE CLASSIC TYPE. Identifiers: MedGen C0268335, MONDO:0019567, OMIM 130000.

Allele frequency attached by ClinVar (database versions not stated): gnomAD exomes below 0.00001.
gnomAD v4.1: 1 of 1,614,112 alleles (0.000062%); highest among the groups gnomAD compares: Non-Finnish European, 0.000085%; no homozygotes.

Submissions (2):

Labcorp Genetics (formerly Invitae), Labcorp
Classification: Uncertain significance for Ehlers-Danlos syndrome, classic type, 1. Last evaluated: 2023-04-27. Review status: criteria provided, single submitter. Criteria: Invitae Variant Classification Sherloc (09022015). Collection method: clinical testing. Allele origin: germline.
Comment: This sequence change replaces serine, which is neutral and polar, with glycine, which is neutral and non-polar, at codon 1277 of the COL5A2 protein (p.Ser1277Gly). This variant is not present in population databases (gnomAD no frequency). This variant has not been reported in the literature in individuals affected with COL5A2-related conditions. ClinVar contains an entry for this variant (Variation ID: 1735322). Advanced modeling of protein sequence and biophysical properties (such as structural, functional, and spatial information, amino acid conservation, physicochemical variation, residue mobility, and thermodynamic stability) performed at Invitae indicates that this missense variant is not expected to disrupt COL5A2 protein function. In summary, the available evidence is currently insufficient to determine the role of this variant in disease. Therefore, it has been classified as a Variant of Uncertain Significance.

Ambry Genetics
Classification: Uncertain significance for Familial thoracic aortic aneurysm and aortic dissection. Last evaluated: 2019-04-26. Review status: criteria provided, single submitter. Criteria: Ambry Variant Classification Scheme 2023. Collection method: clinical testing. Allele origin: germline.
Comment: The p.S1277G variant (also known as c.3829A>G), located in coding exon 51 of the COL5A2 gene, results from an A to G substitution at nucleotide position 3829. The serine at codon 1277 is replaced by glycine, an amino acid with similar properties. This amino acid position is highly conserved in available vertebrate species. In addition, the in silico prediction for this alteration is inconclusive. Since supporting evidence is limited at this time, the clinical significance of this alteration remains unclear.